The following is an entry in ClinVar:

NM_007294.4(BRCA1):c.3172_3192dup (p.Ser1064_Asp1065insIleAsnGluIleGlySerSer)

Gene: BRCA1 (BRCA1 DNA repair associated; minus strand). Cytogenetic location: 17q21.31.
Variant type: Duplication.
Coding change: c.3172_3192dup on transcript NM_007294.4 (MANE Select); coding-DNA positions 3172 to 3192, 21 bases duplicated (ATTAATGAAATAGGTTCCAGT).
Protein change: p.Ser1064_Asp1065insIleAsnGluIleGlySerSer.
Molecular consequence: inframe insertion. On other transcripts: inframe indel (1), intron variant (137).
Genome position (GRCh38, 1-based): chr17:43,092,339-43,092,359, ACTGGAACCTATTTCATTAAT duplicated on the plus strand (ATTAATGAAATAGGTTCCAGT on the coding strand, the reverse complement: BRCA1 is on the minus strand); duplicating any 21 consecutive bases within chr17:43,092,339-43,092,365 gives the same sequence; the c. name uses the placement nearest the transcript's 3' end. VCF-style (leftmost placement, unchanged base first): chr17-43092338-C-CACTGGAACCTATTTCATTAAT. GRCh37 (hg19) VCF-style: chr17-41244355-C-CACTGGAACCTATTTCATTAAT.
Other names: c.2839_2859dup, p.Ser953_Asp954insIleAsnGluIleGlySerSer (NM_001407953.1, NM_001407957.1, NM_001407946.1 and 6 more transcripts); c.3049_3069dup, p.Ser1023_Asp1024insIleAsnGluIleGlySerSer (NM_001407677.1, NM_001407678.1, NM_001407679.1 and 19 more transcripts); c.3172_3192dup, p.Ser1064_Asp1065insIleAsnGluIleGlySerSer (NM_001407684.1, NM_007300.4, NM_001407581.1 and 30 more transcripts); c.3046_3066dup, p.Ser1022_Asp1023insIleAsnGluIleGlySerSer (NM_001407685.1, NM_001407686.1, NM_001407687.1 and 11 more transcripts); c.2836_2856dup, p.Ser952_Asp953insIleAsnGluIleGlySerSer (NM_001407954.1, NM_001407955.1, NM_001407956.1 and 1 more transcripts); c.2791_2811dup, p.Ser937_Asp938insIleAsnGluIleGlySerSer (NM_001407959.1, NM_001407960.1, NM_001407963.1); c.3172_3192dup, p.Ile1058_Ser1064dup (NM_007294.3); c.3031_3051dup, p.Ser1017_Asp1018insIleAsnGluIleGlySerSer (NM_001407944.1, NM_001407945.1, NM_007297.4 and 29 more transcripts); and 42 more.
Identifiers: ClinVar variation 531356 (VCV000531356.10), dbSNP rs1555588237, ClinGen allele CA658798858.
Genomic context (GRCh38, chr17:43,092,338, plus strand): 5'-TAAGCATAGCATTCAATTTTGGCCCTCTGTTTCTACCTAGTTCTGCTTGAATGTTTTCAT[C>CACTGGAACCTATTTCATTAAT]ACTGGAACCTATTTCATTAATACTGGAGCCCACTTCATTAGTACTGGAACCTACTTCATT-3'

ClinVar aggregate classification (germline): Uncertain significance (1 of 4 stars; one submission).

Conditions:
Hereditary breast ovarian cancer syndrome. Also called: Hereditary breast and ovarian cancer syndrome (HBOC); BRCA1- and BRCA2-Associated Hereditary Breast and Ovarian Cancer; Hereditary breast and ovarian cancer syndrome; Breast and ovarian cancer; Hereditary breast and ovarian cancer; Hereditary breast and/or ovarian cancer syndrome. Identifiers: Orphanet 145, MedGen C0677776, MeSH D061325, MONDO:0003582. Disease mechanism: loss of function.

Submission:

Labcorp Genetics (formerly Invitae), Labcorp
Classification: Uncertain significance for Hereditary breast ovarian cancer syndrome. Last evaluated: 2017-12-05. Review status: criteria provided, single submitter. Criteria: Invitae Variant Classification Sherloc (09022015). Collection method: clinical testing. Allele origin: germline.
Comment: This variant, c.3172_3192dup, results in the insertion of 7 amino acids to the BRCA1 protein (p.Ile1058_Ser1064dup), but otherwise preserves the integrity of the reading frame. This variant is not present in population databases (ExAC no frequency). This variant has not been reported in the literature in individuals with BRCA1-related disease. Experimental studies and prediction algorithms are not available for this variant, and the functional significance of the duplicated amino acids is currently unknown. Algorithms developed to predict the effect of sequence changes on RNA splicing suggest that this variant may create or strengthen a splice site, but this prediction has not been confirmed by published transcriptional studies. In summary, the available evidence is currently insufficient to determine the role of this variant in disease. Therefore, it has been classified as a Variant of Uncertain Significance.